The following is an entry in ClinVar:

NM_004369.4(COL6A3):c.5654T>G (p.Val1885Gly)

Gene: COL6A3 (collagen type VI alpha 3 chain; minus strand). Cytogenetic location: 2q37.3.
Variant type: single nucleotide variant.
Coding change: c.5654T>G on transcript NM_004369.4 (MANE Select); coding-DNA position 5654, T replaced by G.
Protein change: p.Val1885Gly; replaces valine 1885 with glycine.
Molecular consequence: missense variant.
Genome position (GRCh38, 1-based): chr2:237,365,882, A>C on the plus strand (T>G on the coding strand, the complement: COL6A3 is on the minus strand). VCF-style: chr2-237365882-A-C. GRCh37 (hg19) VCF-style: chr2-238274525-A-C.
Other names: c.3833T>G, p.Val1278Gly (NM_057166.5); c.5036T>G, p.Val1679Gly (NM_057167.4); short protein forms V1278G, V1679G, V1885G.
Identifiers: ClinVar variation 3369528 (VCV003369528.1).

ClinVar aggregate classification (germline): Uncertain significance (1 of 4 stars; one submission).

Submission:

GeneDx
Classification: Uncertain significance. Last evaluated: 2024-02-23. Review status: criteria provided, single submitter. Criteria: GeneDx Variant Classification Process June 2021. Collection method: clinical testing. Allele origin: germline. Affected: yes.
Comment: Not observed at significant frequency in large population cohorts (gnomAD); In silico analysis supports that this missense variant has a deleterious effect on protein structure/function; Has not been previously published as pathogenic or benign to our knowledge